The following is an entry in ClinVar:

NM_004793.4(LONP1):c.282C>T (p.Ala94=)

Gene: LONP1 (lon peptidase 1, mitochondrial; minus strand). Cytogenetic location: 19p13.3.
Variant type: single nucleotide variant.
Coding change: c.282C>T on transcript NM_004793.4 (MANE Select); coding-DNA position 282, C replaced by T.
Protein change: p.Ala94=; no amino-acid change (alanine 94 retained).
Molecular consequence: synonymous variant. On other transcripts: intron variant (2).
Genome position (GRCh38, 1-based): chr19:5,719,851, G>A on the plus strand (C>T on the coding strand, the complement: LONP1 is on the minus strand). VCF-style: chr19-5719851-G-A. GRCh37 (hg19) VCF-style: chr19-5719862-G-A.
Other names: c.-160+368C>T (NM_001276480.1); c.125-35C>T (NM_001276479.2); c.282C>T (NM_004793.3).
Identifiers: ClinVar variation 2973483 (VCV002973483.5), dbSNP rs552366352, ClinGen allele CA9115196.

ClinVar aggregate classification (germline): Likely benign. Review status: criteria provided, single submitter (1 of 4 stars). 2 submissions from 2 submitters: Likely benign (1). 1 of the submissions does not count toward it. Last evaluated 2025-09-02.

Conditions:
LONP1-related disorder. Also called: LONP1-related disorders; LONP1-related condition.

gnomAD v4.1: 12 of 1,605,282 alleles (0.00075%); highest among the groups gnomAD compares: South Asian, 0.0033%; no homozygotes.

Submissions (2):

Labcorp Genetics (formerly Invitae), Labcorp
Classification: Likely benign. Last evaluated: 2025-09-02. Review status: criteria provided, single submitter. Criteria: Invitae Variant Classification Sherloc (09022015). Collection method: clinical testing. Allele origin: germline.

PreventionGenetics, part of Exact Sciences
Classification: Likely benign for LONP1-related condition. Last evaluated: 2022-06-28. Review status: no assertion criteria provided. Collection method: clinical testing. Allele origin: germline. Not counted in ClinVar's aggregate classification.
Comment: This variant is classified as likely benign based on ACMG/AMP sequence variant interpretation guidelines (Richards et al. 2015 PMID: 25741868, with internal and published modifications).